The following is an entry in ClinVar:

NM_000051.4(ATM):c.8895G>C (p.Leu2965Phe)

Genes: ATM (ATM serine/threonine kinase; plus strand), C11orf65 (chromosome 11 open reading frame 65; minus strand). Cytogenetic location: 11q22.3.
Variant type: single nucleotide variant.
Coding change: c.8895G>C on transcript NM_000051.4 (MANE Select); coding-DNA position 8895, G replaced by C.
Protein change: p.Leu2965Phe; replaces leucine 2965 with phenylalanine.
Molecular consequence: missense variant. On other transcripts: intron variant (2).
Genome position (GRCh38, 1-based): chr11:108,365,126, G>C. VCF-style: chr11-108365126-G-C. GRCh37 (hg19) VCF-style: chr11-108235853-G-C.
Other names: p.L2965F:TTG>TTC; c.8895G>C, p.Leu2965Phe (NM_001351834.2); c.640+20794C>G (NM_001330368.2); c.694+20794C>G (NM_001351110.2); short protein forms L2965F.
Identifiers: ClinVar variation 127465 (VCV000127465.22), dbSNP rs200899512, ClinGen allele CA287033.
Genomic context (GRCh38, chr11:108,365,126, plus strand): 5'-TGTTCTCTCTGTTTAGGTCCTTCTATATGATCCACTCTTTGACTGGACCATGAATCCTTT[G>C]AAAGCTTTGTATTTACAGCAGAGGCCGGAAGATGAAACTGAGCTTCACCCTACTCTGAAT-3'
Protein context (NP_000042.3, residues 2955-2975): DPLFDWTMNP[Leu2965Phe]KALYLQQRPE

ClinVar aggregate classification (germline): Uncertain significance. Review status: criteria provided, multiple submitters, no conflicts (2 of 4 stars). 7 submissions from 7 submitters: Uncertain significance (7). Last evaluated 2026-02-01.

Conditions:
Hereditary cancer-predisposing syndrome. Also called: Neoplastic Syndromes, Hereditary; Hereditary Cancer Syndrome; Tumor predisposition; Hereditary neoplastic syndrome. Identifiers: Orphanet 140162, MedGen C0027672, MeSH D009386, MONDO:0015356.
Familial cancer of breast. Also called: BREAST CANCER, FAMILIAL; hereditary breast carcinoma; Hereditary breast cancer. Identifiers: Orphanet 227535, MedGen C0346153, MONDO:0016419, OMIM 114480. Disease mechanism: loss of function.
Ataxia-telangiectasia syndrome (AT). Also called: Ataxia-telangiectasia, complementation group D; AT, COMPLEMENTATION GROUP C; Ataxia-telangiectasia; ATAXIA-TELANGIECTASIA, COMPLEMENTATION GROUP A; ATAXIA-TELANGIECTASIA, FRESNO VARIANT; Ataxia-telangiectasia, complementation group E. Identifiers: Orphanet 100, MedGen C0004135, MONDO:0008840, OMIM 208900.

Allele frequency attached by ClinVar (database versions not stated): gnomAD 0.00001; gnomAD exomes below 0.00001.
gnomAD v4.1: 10 of 1,614,020 alleles (0.00062%); highest among the groups gnomAD compares: Non-Finnish European, 0.00085%; no homozygotes.

Submissions (7):

Labcorp Genetics (formerly Invitae), Labcorp
Classification: Uncertain significance for Ataxia-telangiectasia syndrome. Last evaluated: 2026-02-01. Review status: criteria provided, single submitter. Criteria: Invitae Variant Classification Sherloc (09022015). Collection method: clinical testing. Allele origin: germline.
Comment: This sequence change replaces leucine, which is neutral and non-polar, with phenylalanine, which is neutral and non-polar, at codon 2965 of the ATM protein (p.Leu2965Phe). This variant is present in population databases (rs200899512, gnomAD 0.0009%). This missense change has been observed in individual(s) with breast cancer (PMID: 29522266). ClinVar contains an entry for this variant (Variation ID: 127465). Invitae Evidence Modeling of protein sequence and biophysical properties (such as structural, functional, and spatial information, amino acid conservation, physicochemical variation, residue mobility, and thermodynamic stability) indicates that this missense variant is not expected to disrupt ATM protein function with a negative predictive value of 95%. Experimental studies are conflicting or provide insufficient evidence to determine the effect of this variant on ATM function (PMID: 27602502). In summary, the available evidence is currently insufficient to determine the role of this variant in disease. Therefore, it has been classified as a Variant of Uncertain Significance.

Ambry Genetics
Classification: Uncertain significance for Hereditary cancer-predisposing syndrome. Last evaluated: 2025-10-03. Review status: criteria provided, single submitter. Criteria: Ambry Variant Classification Scheme 2023. Collection method: clinical testing. Allele origin: germline.
Comment: The p.L2965F variant (also known as c.8895G>C), located in coding exon 61 of the ATM gene, results from a G to C substitution at nucleotide position 8895. The leucine at codon 2965 is replaced by phenylalanine, an amino acid with highly similar properties. This amino acid position is highly conserved in available vertebrate species. In addition, the in silico prediction for this alteration is inconclusive. Based on the available evidence, the clinical significance of this variant remains unclear.

Blueprint Genetics
Classification: Uncertain significance. Last evaluated: 2024-08-14. Review status: criteria provided, single submitter. Criteria: ACMG Guidelines, 2015. Collection method: clinical testing. Allele origin: germline.

Color Diagnostics, LLC DBA Color Health
Classification: Uncertain significance for Hereditary cancer-predisposing syndrome. Last evaluated: 2024-03-27. Review status: criteria provided, single submitter. Criteria: ACMG Guidelines, 2015. Collection method: clinical testing. Allele origin: germline.
Comment: This missense variant replaces leucine with phenylalanine at codon 2965 of the ATM protein. Computational prediction is inconclusive regarding the impact of this variant on protein structure and function. To our knowledge, functional studies have not been reported for this variant. This variant has been reported in individuals affected with breast cancer (PMID: 21787400, 29522266). In an international breast cancer case-control meta-analysis, this variant was detected in 1/60466 cases and 2/53461 unaffected controls (PMID: 33471991). This variant has been identified in 1/251402 chromosomes in the general population by the Genome Aggregation Database (gnomAD). The available evidence is insufficient to determine the role of this variant in disease conclusively. Therefore, this variant is classified as a Variant of Uncertain Significance.

Baylor Genetics
Classification: Uncertain significance for Familial cancer of breast. Last evaluated: 2023-05-19. Review status: criteria provided, single submitter. Criteria: ACMG Guidelines, 2015. Collection method: clinical testing. Allele origin: unknown.

Women's Health and Genetics/Laboratory Corporation of America, LabCorp
Classification: Uncertain significance. Last evaluated: 2019-05-14. Review status: criteria provided, single submitter. Criteria: LabCorp Variant Classification Summary - May 2015. Collection method: clinical testing. Allele origin: germline.
Comment: Variant summary: ATM c.8895G>C (p.Leu2965Phe) results in a non-conservative amino acid change located in the Phosphatidylinositol 3-/4-kinase catalytic domain of the encoded protein sequence. Four of five in-silico tools predict a damaging effect of the variant on protein function. The variant allele was found at a frequency of 4e-06 in 251402 control chromosomes. The available data on variant occurrences in the general population are insufficient to allow any conclusion about variant significance. c.8895G>C has been reported in the literature in individuals affected with breast cancer (Hauke_2018). This report does not provide unequivocal conclusions about association of the variant with Breast Cancer or Ataxia-Telangiectasia. To our knowledge, no experimental evidence demonstrating an impact on protein function has been reported. Three clinical diagnostic laboratories have submitted clinical-significance assessments for this variant to ClinVar after 2014. All laboratories classified the variant as uncertain significance. Based on the evidence outlined above, the variant was classified as uncertain significance.

GeneDx
Classification: Uncertain significance. Last evaluated: 2018-10-26. Review status: criteria provided, single submitter. Criteria: GeneDx Variant Classification (06012015). Collection method: clinical testing. Allele origin: germline. Affected: yes.
Comment: This variant is denoted ATM c.8895G>C at the cDNA level, p.Leu2965Phe (L2965F) at the protein level, and results in the change of a Leucine to a Phenylalanine (TTG>TTC). This variant has been reported in at least two individuals with breast cancer (Hauke 2018). ATM Leu2965Phe was not observed at a significant allele frequency in large population cohorts (Lek 2016). This variant is located in FATC Domain (Stracker 2013). In silico analysis, which includes protein predictors and evolutionary conservation, supports that this variant does not alter protein structure/function. Based on currently available evidence, it is unclear whether ATM Leu2965Phe is a pathogenic or benign variant. We consider it to be a variant of uncertain significance.

Literature cited by the submitters: PubMed 29522266 (cited by 4 submitters); PubMed 27602502 (cited by Labcorp Genetics (formerly Invitae), Labcorp); PubMed 21787400 (cited by 3 submitters); PubMed 33471991 (cited by Ambry Genetics and Color Diagnostics, LLC DBA Color Health).